The following is an entry in ClinVar:

NM_001035.3(RYR2):c.4410A>G (p.Gly1470=)

Gene: RYR2 (ryanodine receptor 2; plus strand). Cytogenetic location: 1q43.
Variant type: single nucleotide variant.
Coding change: c.4410A>G on transcript NM_001035.3 (MANE Select); coding-DNA position 4410, A replaced by G.
Protein change: p.Gly1470=; no amino-acid change (glycine 1470 retained).
Molecular consequence: synonymous variant.
Genome position (GRCh38, 1-based): chr1:237,593,610, A>G. VCF-style: chr1-237593610-A-G. GRCh37 (hg19) VCF-style: chr1-237756910-A-G.
Identifiers: ClinVar variation 165097 (VCV000165097.20), dbSNP rs727503399, ClinGen allele CA009528.

ClinVar aggregate classification (germline): Likely benign. Review status: criteria provided, multiple submitters, no conflicts (2 of 4 stars). 4 submissions from 4 submitters: Likely benign (4). Last evaluated 2026-01-25.

Conditions:
Catecholaminergic polymorphic ventricular tachycardia (CVPT). Also called: Catecholamine-induced polymorphic ventricular tachycardia. Identifiers: Orphanet 3286, MedGen C5574922, MONDO:0017990.
Cardiomyopathy (CMYO). Also called: Cardiomyopathies. Identifiers: Orphanet 167848, MedGen C0878544, MONDO:0004994, HP:0001638. Inheritance: Various modes of inheritance.
Catecholaminergic polymorphic ventricular tachycardia 1. Also called: RYR2-Related Catecholaminergic Polymorphic Ventricular Tachycardia; VENTRICULAR TACHYCARDIA, STRESS-INDUCED POLYMORPHIC 1; VENTRICULAR TACHYCARDIA, CATECHOLAMINERGIC POLYMORPHIC, 1, WITH OR WITHOUT ATRIAL DYSFUNCTION AND/OR DILATED CARDIOMYOPATHY. Identifiers: Orphanet 3286, MedGen C1631597, MONDO:0011484, OMIM 604772.

Allele frequency attached by ClinVar (database versions not stated): ExAC 0.00001; gnomAD exomes 0.00001; gnomAD 0.00003; TOPMed 0.00003.
gnomAD v4.1: 10 of 1,613,768 alleles (0.00062%); highest among the groups gnomAD compares: African/African-American, 0.013%; no homozygotes.

Submissions (4):

Labcorp Genetics (formerly Invitae), Labcorp
Classification: Likely benign for Catecholaminergic polymorphic ventricular tachycardia 1. Last evaluated: 2026-01-25. Review status: criteria provided, single submitter. Criteria: Invitae Variant Classification Sherloc (09022015). Collection method: clinical testing. Allele origin: germline.

All of Us Research Program, National Institutes of Health
Classification: Likely benign for Catecholaminergic polymorphic ventricular tachycardia. Last evaluated: 2024-02-05. Review status: criteria provided, single submitter. Criteria: ACMG Guidelines, 2015. Collection method: clinical testing. Allele origin: germline. Inheritance: Autosomal dominant inheritance. Observed: 4 variant alleles, 4 heterozygotes.
Comment: This study involves interpretation of variants in research participants for the purpose of population health screening. Participant phenotype was not available at the time of variant classification. Additional details can be found in publication PMID: 35346344, PMCID: PMC8962531

Color Diagnostics, LLC DBA Color Health
Classification: Likely benign for Cardiomyopathy. Last evaluated: 2019-02-16. Review status: criteria provided, single submitter. Criteria: ACMG Guidelines, 2015. Collection method: clinical testing. Allele origin: germline.

Laboratory for Molecular Medicine, Mass General Brigham Personalized Medicine
Classification: Likely benign. Last evaluated: 2014-03-13. Review status: criteria provided, single submitter. Criteria: LMM Criteria. Collection method: clinical testing. Allele origin: germline. Observed: 1 variant allele.
Comment: Gly1470Gly in exon 33 of RYR2: This variant not expected to have clinical signif icance because it does not alter an amino acid residue and is not located within the splice consensus sequence.